The following is an entry in ClinVar:

NM_018669.6(WDR4):c.709G>A (p.Asp237Asn)

Gene: WDR4 (WDR4 tRNA N7-guanosine methyltransferase non-catalytic subunit; minus strand). Cytogenetic location: 21q22.3.
Variant type: single nucleotide variant.
Coding change: c.709G>A on transcript NM_018669.6 (MANE Select); coding-DNA position 709, G replaced by A.
Protein change: p.Asp237Asn; replaces aspartic acid 237 with asparagine.
Molecular consequence: missense variant. On other transcripts: non-coding transcript variant (1).
Genome position (GRCh38, 1-based): chr21:42,855,699, C>T on the plus strand (G>A on the coding strand, the complement: WDR4 is on the minus strand). VCF-style: chr21-42855699-C-T. GRCh37 (hg19) VCF-style: chr21-44275809-C-T.
Other names: c.709G>A, p.Asp237Asn (NM_001260474.2, NM_033661.5); c.271G>A, p.Asp91Asn (NM_001260475.2, NM_001260476.2, NM_001260477.2 and 1 more transcripts); short protein forms D237N, D91N.
Identifiers: ClinVar variation 2503393 (VCV002503393.1), dbSNP rs2057970953, ClinGen allele CA410389665.

ClinVar aggregate classification (germline): Uncertain significance (1 of 4 stars; one submission).

Allele frequency attached by ClinVar (database versions not stated): TOPMed below 0.00001.

Submission:

GeneDx
Classification: Uncertain significance. Last evaluated: 2022-11-29. Review status: criteria provided, single submitter. Criteria: GeneDx Variant Classification Process June 2021. Collection method: clinical testing. Allele origin: germline. Affected: yes.
Comment: Not observed at significant frequency in large population cohorts (gnomAD); In silico analysis supports that this missense variant does not alter protein structure/function; Has not been previously published as pathogenic or benign to our knowledge